The following is an entry in ClinVar:

ClinVar aggregate classification (germline): Likely benign (1 of 4 stars; one submission).

Submission:

CeGaT Center for Human Genetics Tuebingen
Classification: Likely benign. Last evaluated: 2023-03-01. Review status: criteria provided, single submitter. Criteria: CeGaT Center For Human Genetics Tuebingen Variant Classification Criteria Version 2. Collection method: clinical testing. Allele origin: germline. Affected: yes. Observed: 1 variant allele.
Comment: RTTN: PM2:Supporting, BP4, BP7

NM_173630.4(RTTN):c.4548A>G (p.Glu1516=)

Gene: RTTN (rotatin; minus strand). Cytogenetic location: 18q22.2.
Variant type: single nucleotide variant.
Coding change: c.4548A>G on transcript NM_173630.4 (MANE Select); coding-DNA position 4548, A replaced by G.
Protein change: p.Glu1516=; no amino-acid change (glutamic acid 1516 retained).
Molecular consequence: synonymous variant.
Genome position (GRCh38, 1-based): chr18:70,075,368, T>C on the plus strand (A>G on the coding strand, the complement: RTTN is on the minus strand). VCF-style: chr18-70075368-T-C. GRCh37 (hg19) VCF-style: chr18-67742604-T-C.
Other names: c.1812A>G, p.Glu604= (NM_001318520.2).
Identifiers: ClinVar variation 2648802 (VCV002648802.24), dbSNP rs2512147340, ClinGen allele CA504325207.